The following is an entry in ClinVar:

NM_133372.3(FNIP1):c.431C>T (p.Ser144Phe)

Gene: FNIP1 (folliculin interacting protein 1; minus strand). Cytogenetic location: 5q31.1.
Variant type: single nucleotide variant.
Coding change: c.431C>T on transcript NM_133372.3 (MANE Select); coding-DNA position 431, C replaced by T.
Protein change: p.Ser144Phe; replaces serine 144 with phenylalanine.
Molecular consequence: missense variant.
Genome position (GRCh38, 1-based): chr5:131,719,341, G>A on the plus strand (C>T on the coding strand, the complement: FNIP1 is on the minus strand). VCF-style: chr5-131719341-G-A. GRCh37 (hg19) VCF-style: chr5-131055034-G-A.
Other names: c.431C>T, p.Ser144Phe (NM_001008738.3, NM_001346113.2); c.296C>T, p.Ser99Phe (NM_001346114.2); short protein forms S144F, S99F.
Identifiers: ClinVar variation 2119407 (VCV002119407.4), dbSNP rs2532204920, ClinGen allele CA360840442.

ClinVar aggregate classification (germline): Uncertain significance (1 of 4 stars; one submission).

Submission:

Labcorp Genetics (formerly Invitae), Labcorp
Classification: Uncertain significance. Last evaluated: 2022-03-29. Review status: criteria provided, single submitter. Criteria: Invitae Variant Classification Sherloc (09022015). Collection method: clinical testing. Allele origin: germline.
Comment: This sequence change replaces serine, which is neutral and polar, with phenylalanine, which is neutral and non-polar, at codon 144 of the FNIP1 protein (p.Ser144Phe). This variant is not present in population databases (gnomAD no frequency). This variant has not been reported in the literature in individuals affected with FNIP1-related conditions. Algorithms developed to predict the effect of missense changes on protein structure and function are either unavailable or do not agree on the potential impact of this missense change (SIFT: "Deleterious"; PolyPhen-2: "Probably Damaging"; Align-GVGD: "Class C0"). In summary, the available evidence is currently insufficient to determine the role of this variant in disease. Therefore, it has been classified as a Variant of Uncertain Significance.